The following is an entry in ClinVar:

ClinVar aggregate classification (germline): Benign/Likely benign. Review status: criteria provided, multiple submitters, no conflicts (2 of 4 stars). 7 submissions from 7 submitters: Benign (6); Likely benign (1). Last evaluated 2026-09-21.

Conditions:
Ehlers-Danlos syndrome, type 4 (EDSVASC). Also called: Ehlers-Danlos Syndrome Type IV; Ehlers-Danlos syndrome vascular type; Ehlers Danlos syndrome, ecchymotic type; Ehlers Danlos syndrome, arterial type; Ehlers Danlos syndrome, Sack-Barabas type. Identifiers: Orphanet 286, MedGen C0268338, MONDO:0017314, OMIM 130050.
Ehlers-Danlos syndrome (EDS). Identifiers: Orphanet 98249, MedGen C0013720, MONDO:0020066.
COL3A1-related disorder. Also called: COL3A1-related condition.

Allele frequency attached by ClinVar (database versions not stated): gnomAD 0.00026 and 0.00001; gnomAD exomes 0.00066 and 0.00129; 1000 Genomes Project 30x 0.00141; ExAC 0.00163; 1000 Genomes Project 0.00180; TOPMed 0.00002.
gnomAD v4.1: 979 of 1,613,968 alleles (0.061%); highest among the groups gnomAD compares: South Asian, 1%; 23 homozygotes.

Submissions (7):

Molecular Diagnostic Laboratory for Inherited Cardiovascular Disease, Montreal Heart Institute
Classification: Benign. Last evaluated: 2026-09-21. Review status: criteria provided, single submitter. Criteria: ACMG Guidelines, 2015. Collection method: clinical testing. Allele origin: germline. Affected: no.

PreventionGenetics, part of Exact Sciences
Classification: Benign for COL3A1-related condition. Last evaluated: 2026-03-30. Review status: criteria provided, single submitter. Criteria: ACMG Guidelines, 2015. Collection method: clinical testing. Allele origin: germline.
Comment: This variant is classified as benign based on ACMG/AMP sequence variant interpretation guidelines (Richards et al. 2015 PMID: 25741868, with internal and published modifications).

Labcorp Genetics (formerly Invitae), Labcorp
Classification: Benign for Ehlers-Danlos syndrome, type 4. Last evaluated: 2026-01-27. Review status: criteria provided, single submitter. Criteria: Invitae Variant Classification Sherloc (09022015). Collection method: clinical testing. Allele origin: germline.

Blueprint Genetics
Classification: Likely benign. Last evaluated: 2024-10-23. Review status: criteria provided, single submitter. Criteria: ACMG Guidelines, 2015. Collection method: clinical testing. Allele origin: germline.

Genome Diagnostics Laboratory, The Hospital for Sick Children
Classification: Benign for Ehlers-Danlos syndrome. Last evaluated: 2021-03-11. Review status: criteria provided, single submitter. Criteria: ACMG Guidelines, 2015. Collection method: clinical testing. Allele origin: germline.

Women's Health and Genetics/Laboratory Corporation of America, LabCorp
Classification: Benign. Last evaluated: 2019-07-01. Review status: criteria provided, single submitter. Criteria: LabCorp Variant Classification Summary - May 2015. Collection method: clinical testing. Allele origin: germline.
Comment: Variant summary: COL3A1 c.1509+7A>C alters a non-conserved nucleotide located close to a canonical splice site and therefore could affect mRNA splicing, leading to a significantly altered protein sequence. 5/5 computational tools predict no significant impact on normal splicing. However, these predictions have yet to be confirmed by functional studies. The variant allele was found at a frequency of 0.0013 in 251296 control chromosomes in the gnomAD database, including 6 homozygotes. The observed variant frequency is approximately 1028.27 fold of the estimated maximal expected allele frequency for a pathogenic variant in COL3A1 causing Aortopathy phenotype (1.3e-06), strongly suggesting that the variant is benign. To our knowledge, no occurrence of c.1509+7A>C in individuals affected with Aortopathy and no experimental evidence demonstrating its impact on protein function have been reported. Two clinical diagnostic laboratories have submitted clinical-significance assessments for this variant to ClinVar after 2014 without evidence for independent evaluation. All laboratories classified the variant as benign/likely benign. Based on the evidence outlined above, the variant was classified as benign.

Illumina Laboratory Services, Illumina
Classification: Benign for Ehlers-Danlos syndrome, type 4. Last evaluated: 2018-01-12. Review status: criteria provided, single submitter. Criteria: ICSL Variant Classification Criteria 13 December 2019. Collection method: clinical testing. Allele origin: germline.
Comment: This variant was observed in the ICSL laboratory as part of a predisposition screen in an ostensibly healthy population. It had not been previously curated by ICSL or reported in the Human Gene Mutation Database (HGMD: prior to June 1st, 2018), and was therefore a candidate for classification through an automated scoring system. Utilizing variant allele frequency, disease prevalence and penetrance estimates, and inheritance mode, an automated score was calculated to assess if this variant is too frequent to cause the disease. Based on the score and internal cut-off values, a variant classified as benign is not then subjected to further curation. The score for this variant resulted in a classification of benign for this disease.

NM_000090.4(COL3A1):c.1509+7A>C

Gene: COL3A1 (collagen type III alpha 1 chain; plus strand). Cytogenetic location: 2q32.2.
Variant type: single nucleotide variant.
Coding change: c.1509+7A>C on transcript NM_000090.4 (MANE Select); 7 bases into the intron after coding-DNA position 1509, A replaced by C.
Molecular consequence: intron variant.
Genome position (GRCh38, 1-based): chr2:188,995,106, A>C. VCF-style: chr2-188995106-A-C. GRCh37 (hg19) VCF-style: chr2-189859832-A-C.
Identifiers: ClinVar variation 333054 (VCV000333054.22), dbSNP rs201740954, ClinGen allele CA074416.